The following is an entry in ClinVar:

NM_004990.4(MARS1):c.1635+1G>A

Gene: MARS1 (methionyl-tRNA synthetase 1; plus strand). Cytogenetic location: 12q13.3.
Variant type: single nucleotide variant.
Coding change: c.1635+1G>A on transcript NM_004990.4 (MANE Select); the canonical splice donor site of the intron after coding-DNA position 1635, G replaced by A.
Molecular consequence: splice donor variant.
Genome position (GRCh38, 1-based): chr12:57,512,104, G>A. VCF-style: chr12-57512104-G-A. GRCh37 (hg19) VCF-style: chr12-57905887-G-A.
Identifiers: ClinVar variation 1806569 (VCV001806569.1), dbSNP rs2540313198, ClinGen allele CA385461937.

ClinVar aggregate classification (germline): Uncertain significance (1 of 4 stars; one submission).

Submission:

GeneDx
Classification: Uncertain significance. Last evaluated: 2022-06-23. Review status: criteria provided, single submitter. Criteria: GeneDx Variant Classification Process June 2021. Collection method: clinical testing. Allele origin: germline. Affected: yes.
Comment: Not observed at significant frequency in large population cohorts (gnomAD); Canonical splice site variant in a gene or region of a gene for which loss of function is not a well-established mechanism of disease; Has not been previously published as pathogenic or benign to our knowledge